The following is an entry in ClinVar:

NM_025144.4(ALPK1):c.898G>A (p.Val300Met)

Gene: ALPK1 (alpha kinase 1; plus strand). Cytogenetic location: 4q25.
Variant type: single nucleotide variant.
Coding change: c.898G>A on transcript NM_025144.4 (MANE Select); coding-DNA position 898, G replaced by A.
Protein change: p.Val300Met; replaces valine 300 with methionine.
Molecular consequence: missense variant.
Genome position (GRCh38, 1-based): chr4:112,429,251, G>A. VCF-style: chr4-112429251-G-A. GRCh37 (hg19) VCF-style: chr4-113350407-G-A.
Other names: c.664G>A, p.Val222Met (NM_001253884.2); c.898G>A, p.Val300Met (NM_001102406.2); short protein forms V300M, V222M.
Identifiers: ClinVar variation 2981080 (VCV002981080.3), dbSNP rs768197814, ClinGen allele CA3046599.

ClinVar aggregate classification (germline): Uncertain significance (1 of 4 stars; one submission).

Allele frequency attached by ClinVar (database versions not stated): ExAC 0.00001.

Submission:

Labcorp Genetics (formerly Invitae), Labcorp
Classification: Uncertain significance. Last evaluated: 2025-06-22. Review status: criteria provided, single submitter. Criteria: Invitae Variant Classification Sherloc (09022015). Collection method: clinical testing. Allele origin: germline.
Comment: This sequence change replaces valine, which is neutral and non-polar, with methionine, which is neutral and non-polar, at codon 300 of the ALPK1 protein (p.Val300Met). This variant is present in population databases (rs768197814, gnomAD no frequency). This variant has not been reported in the literature in individuals affected with ALPK1-related conditions. ClinVar contains an entry for this variant (Variation ID: 2981080). An algorithm developed to predict the effect of missense changes on protein structure and function outputs the following: PolyPhen-2: "Benign". The methionine amino acid residue is found in multiple mammalian species, which suggests that this missense change does not adversely affect protein function. In summary, the available evidence is currently insufficient to determine the role of this variant in disease. Therefore, it has been classified as a Variant of Uncertain Significance.